The following is an entry in ClinVar:

ClinVar aggregate classification (germline): Conflicting classifications of pathogenicity. Review status: criteria provided, conflicting classifications (1 of 4 stars). 4 submissions from 4 submitters: Uncertain significance (1); Likely benign (3). Last evaluated 2026-08-11.

Conditions:
VPS13C-related disorder. Also called: VPS13C-related condition.
Autosomal recessive early-onset Parkinson disease 23. Identifiers: Orphanet 2828, MedGen C4225186, MONDO:0014796, OMIM 616840.

Allele frequency attached by ClinVar (database versions not stated): gnomAD 0.00022; ESP Exome Variant Server 0.00062; TOPMed 0.00072.

Submissions (4):

PreventionGenetics, part of Exact Sciences
Classification: Likely benign for VPS13C-related condition. Last evaluated: 2026-08-11. Review status: criteria provided, single submitter. Criteria: ACMG Guidelines, 2015. Collection method: clinical testing. Allele origin: germline.
Comment: This variant is classified as likely benign based on ACMG/AMP sequence variant interpretation guidelines (Richards et al. 2015 PMID: 25741868, with internal and published modifications).

Labcorp Genetics (formerly Invitae), Labcorp
Classification: Likely benign. Last evaluated: 2025-12-19. Review status: criteria provided, single submitter. Criteria: Invitae Variant Classification Sherloc (09022015). Collection method: clinical testing. Allele origin: germline.

CeGaT Center for Human Genetics Tuebingen
Classification: Likely benign. Last evaluated: 2023-08-01. Review status: criteria provided, single submitter. Criteria: CeGaT Center For Human Genetics Tuebingen Variant Classification Criteria Version 2. Collection method: clinical testing. Allele origin: germline. Affected: yes. Observed: 3 variant alleles.
Comment: VPS13C: BP4, BP7

Mayo Clinic Laboratories, Mayo Clinic
Classification: Uncertain significance for Autosomal recessive early-onset Parkinson disease 23. Last evaluated: 2017-04-12. Review status: criteria provided, single submitter. Criteria: ACMG Guidelines, 2015. Collection method: clinical testing. Allele origin: maternal.

NM_020821.3(VPS13C):c.387C>T (p.Gly129=)

Gene: VPS13C (vacuolar protein sorting 13 homolog C; minus strand). Cytogenetic location: 15q22.2.
Variant type: single nucleotide variant.
Coding change: c.387C>T on transcript NM_020821.3 (MANE Select); coding-DNA position 387, C replaced by T.
Protein change: p.Gly129=; no amino-acid change (glycine 129 retained).
Molecular consequence: synonymous variant. On other transcripts: intron variant (2).
Genome position (GRCh38, 1-based): chr15:62,028,419, G>A on the plus strand (C>T on the coding strand, the complement: VPS13C is on the minus strand). VCF-style: chr15-62028419-G-A. GRCh37 (hg19) VCF-style: chr15-62320618-G-A.
Other names: c.387C>T, p.Gly129= (NM_001018088.3); c.386-4899C>T (NM_017684.5, NM_018080.4).
Identifiers: ClinVar variation 547944 (VCV000547944.39), dbSNP rs139665824, ClinGen allele CA7597551.